The following is an entry in ClinVar:

ClinVar aggregate classification (germline): Likely benign (1 of 4 stars; one submission).

Allele frequency attached by ClinVar (database versions not stated): gnomAD exomes 0.00001; ExAC 0.00015.
gnomAD v4.1: 8 of 966,454 alleles (0.00083%); highest among the groups gnomAD compares: South Asian, 0.0074%; 1 homozygote.

Submission:

CeGaT Center for Human Genetics Tuebingen
Classification: Likely benign. Last evaluated: 2023-04-01. Review status: criteria provided, single submitter. Criteria: CeGaT Center For Human Genetics Tuebingen Variant Classification Criteria Version 2. Collection method: clinical testing. Allele origin: germline. Affected: yes. Observed: 1 variant allele.
Comment: SPATA31F1: BP4, BP7

NM_001141917.2(SPATA31F1):c.1917C>T (p.Ile639=)

Genes: PHF24 (PHD finger protein 24; plus strand), SPATA31F1 (SPATA31 subfamily F member 1; minus strand). Cytogenetic location: 9p13.3.
Variant type: single nucleotide variant.
Coding change: c.1917C>T on transcript NM_001141917.2 (MANE Select); coding-DNA position 1917, C replaced by T.
Protein change: p.Ile639=; no amino-acid change (isoleucine 639 retained).
Molecular consequence: synonymous variant.
Genome position (GRCh38, 1-based): chr9:34,725,323, G>A on the plus strand (C>T on the coding strand, the complement: SPATA31F1 is on the minus strand). VCF-style: chr9-34725323-G-A. GRCh37 (hg19) VCF-style: chr9-34725320-G-A.
Identifiers: ClinVar variation 2659162 (VCV002659162.24), dbSNP rs765297258, ClinGen allele CA5037344.